The following is an entry in ClinVar:

ClinVar aggregate classification (germline): Uncertain significance (1 of 4 stars; one submission).

Submission:

GeneDx
Classification: Uncertain significance. Last evaluated: 2022-11-21. Review status: criteria provided, single submitter. Criteria: GeneDx Variant Classification Process June 2021. Collection method: clinical testing. Allele origin: germline. Affected: yes.
Comment: Not observed at significant frequency in large population cohorts (gnomAD); In-frame deletion of 1 amino acid in a non-repeat region; In silico analysis supports a deleterious effect on protein structure/function; Has not been previously published as pathogenic or benign to our knowledge

NM_015057.5(MYCBP2):c.5853TAT[1] (p.Ile1953del)

Gene: MYCBP2 (MYC binding protein 2; minus strand). Cytogenetic location: 13q22.3.
Variant type: Microsatellite.
Coding change: c.5853TAT[1] on transcript NM_015057.5 (MANE Select); one copy of the 3-base unit TAT starting at c.5853; the reference has two copies in a row; one copy, 3 bases deleted.
Protein change: p.Ile1953del; deletes isoleucine 1953.
Molecular consequence: inframe deletion.
Genome position (GRCh38, 1-based): chr13:77,169,651-77,169,653, ATA deleted on the plus strand (TAT on the coding strand, the reverse complement: MYCBP2 is on the minus strand); deleting any 3 consecutive bases within chr13:77,169,651-77,169,657 gives the same sequence; the position shown is the placement nearest the transcript's 3' end. VCF-style (leftmost placement, unchanged base first): chr13-77169650-TATA-T. GRCh37 (hg19) VCF-style: chr13-77743785-TATA-T.
Other names: short protein forms I1953del.
Identifiers: ClinVar variation 2502496 (VCV002502496.1), dbSNP rs2548984946, ClinGen allele CA2580614747.